The following is an entry in ClinVar:

ClinVar aggregate classification (germline): Uncertain significance (1 of 4 stars; one submission).

gnomAD v4.1: 6 of 1,614,234 alleles (0.00037%); highest among the groups gnomAD compares: Non-Finnish European, 0.00042%; no homozygotes.

Submission:

Labcorp Genetics (formerly Invitae), Labcorp
Classification: Uncertain significance. Last evaluated: 2026-01-02. Review status: criteria provided, single submitter. Criteria: Invitae Variant Classification Sherloc (09022015). Collection method: clinical testing. Allele origin: germline.
Comment: This sequence change replaces serine, which is neutral and polar, with asparagine, which is neutral and polar, at codon 1161 of the ABCA1 protein (p.Ser1161Asn). This variant is present in population databases (no rsID available, gnomAD 0.01%). This variant has not been reported in the literature in individuals affected with ABCA1-related conditions. Invitae Evidence Modeling of protein sequence and biophysical properties (such as structural, functional, and spatial information, amino acid conservation, physicochemical variation, residue mobility, and thermodynamic stability) indicates that this missense variant is not expected to disrupt ABCA1 protein function with a negative predictive value of 95%. In summary, the available evidence is currently insufficient to determine the role of this variant in disease. Therefore, it has been classified as a Variant of Uncertain Significance.

NM_005502.4(ABCA1):c.3482G>A (p.Ser1161Asn)

Gene: ABCA1 (ATP binding cassette subfamily A member 1; minus strand). Cytogenetic location: 9q31.1.
Variant type: single nucleotide variant.
Coding change: c.3482G>A on transcript NM_005502.4 (MANE Select); coding-DNA position 3482, G replaced by A.
Protein change: p.Ser1161Asn; replaces serine 1161 with asparagine.
Molecular consequence: missense variant.
Genome position (GRCh38, 1-based): chr9:104,817,385, C>T on the plus strand (G>A on the coding strand, the complement: ABCA1 is on the minus strand). VCF-style: chr9-104817385-C-T. GRCh37 (hg19) VCF-style: chr9-107579666-C-T.
Other names: short protein forms S1161N.
Identifiers: ClinVar variation 4767591 (VCV004767591.1).
Genomic context (GRCh38, chr9:104,817,385, plus strand): 5'-TCCTTACCGATGGTCAGCGTGTCACTCTCATGGTCGCTGCCCAGGCCAGCATCAGAACTG[C>T]TCTGAGAAACACTGTCCTCCTGATGGCAAAGAAGGAGGTGAGAACGGGTCAGGGACGGAG-3'
Protein context (NP_005493.2, residues 1151-1171): YLKKEDSVSQ[Ser1161Asn]SSDAGLGSDH